The following is an entry in ClinVar:

NM_033419.5(PGAP3):c.434T>C (p.Val145Ala)

Gene: PGAP3 (post-GPI attachment to proteins phospholipase 3; minus strand). Cytogenetic location: 17q12.
Variant type: single nucleotide variant.
Coding change: c.434T>C on transcript NM_033419.5 (MANE Select); coding-DNA position 434, T replaced by C.
Protein change: p.Val145Ala; replaces valine 145 with alanine.
Molecular consequence: missense variant. On other transcripts: intron variant (3).
Genome position (GRCh38, 1-based): chr17:39,674,678, A>G on the plus strand (T>C on the coding strand, the complement: PGAP3 is on the minus strand). VCF-style: chr17-39674678-A-G. GRCh37 (hg19) VCF-style: chr17-37830931-A-G.
Other names: c.281T>C, p.Val94Ala (NM_001291726.2); c.434T>C, p.Val145Ala (NM_001291730.2); c.433-1812T>C (NM_001291733.2); c.433-624T>C (NM_001291732.2, NM_001291728.2); c.434T>C (NM_033419.3); short protein forms V145A, V94A.
Identifiers: ClinVar variation 1518580 (VCV001518580.5), dbSNP rs939322377, ClinGen allele CA290441358.
Genomic context (GRCh38, chr17:39,674,678, plus strand): 5'-TCTGTGAGGTCAGTGTCCCTGGTGTGGAAAACTGTGGACCAGAACCATGCATTGAGGGAC[A>G]CCTAAGGAGGGAGGGGCTGGTGAGCATGCTGCCCCCCACCCTGACCTCAAGGCAGGGACC-3'
Protein context (NP_219487.3, residues 135-155): MYHTCVAFAW[Val145Ala]SLNAWFWSTV

ClinVar aggregate classification (germline): Uncertain significance. Review status: criteria provided, multiple submitters, no conflicts (2 of 4 stars). 2 submissions from 2 submitters: Uncertain significance (2). Last evaluated 2023-11-13.

Conditions:
Inborn genetic diseases. Identifiers: MedGen C0950123, MeSH D030342.

Allele frequency attached by ClinVar (database versions not stated): gnomAD exomes 0.00001 and 0.00008; gnomAD 0.00003 and 0.00004; TOPMed 0.00003.
gnomAD v4.1: 111 of 1,550,606 alleles (0.0072%); highest among the groups gnomAD compares: Non-Finnish European, 0.0094%; no homozygotes.

Submissions (2):

Ambry Genetics
Classification: Uncertain significance for Inborn genetic diseases. Last evaluated: 2023-11-13. Review status: criteria provided, single submitter. Criteria: Ambry Variant Classification Scheme 2023. Collection method: clinical testing. Allele origin: germline.

Labcorp Genetics (formerly Invitae), Labcorp
Classification: Uncertain significance. Last evaluated: 2022-03-11. Review status: criteria provided, single submitter. Criteria: Invitae Variant Classification Sherloc (09022015). Collection method: clinical testing. Allele origin: germline.
Comment: Algorithms developed to predict the effect of missense changes on protein structure and function are either unavailable or do not agree on the potential impact of this missense change (SIFT: "Tolerated"; PolyPhen-2: "Possibly Damaging"; Align-GVGD: "Class C0"). This variant has not been reported in the literature in individuals affected with PGAP3-related conditions. This variant is present in population databases (no rsID available, gnomAD 0.003%). This sequence change replaces valine, which is neutral and non-polar, with alanine, which is neutral and non-polar, at codon 145 of the PGAP3 protein (p.Val145Ala). In summary, the available evidence is currently insufficient to determine the role of this variant in disease. Therefore, it has been classified as a Variant of Uncertain Significance.